The following is an entry in ClinVar:

ClinVar aggregate classification (germline): Uncertain significance (1 of 4 stars; one submission).

Submission:

Labcorp Genetics (formerly Invitae), Labcorp
Classification: Uncertain significance. Last evaluated: 2025-12-25. Review status: criteria provided, single submitter. Criteria: Invitae Variant Classification Sherloc (09022015). Collection method: clinical testing. Allele origin: germline.
Comment: This sequence change replaces arginine, which is basic and polar, with glycine, which is neutral and non-polar, at codon 266 of the KLHDC8B protein (p.Arg266Gly). Information on the frequency of this variant in the gnomAD database is not available, as this variant may be reported differently in the database. This variant has not been reported in the literature in individuals affected with KLHDC8B-related conditions. Experimental studies and prediction algorithms are not available or were not evaluated, and the functional significance of this variant is currently unknown. In summary, the available evidence is currently insufficient to determine the role of this variant in disease. Therefore, it has been classified as a Variant of Uncertain Significance.

NM_173546.3(KLHDC8B):c.795_796delinsTG (p.Arg266Gly)

Gene: KLHDC8B (kelch domain containing 8B; plus strand). Cytogenetic location: 3p21.31.
Variant type: Indel.
Coding change: c.795_796delinsTG on transcript NM_173546.3 (MANE Select); coding-DNA positions 795 to 796, GC replaced by TG.
Protein change: p.Arg266Gly; replaces arginine 266 with glycine.
Molecular consequence: missense variant.
Genome position (GRCh38, 1-based): chr3:49,175,090-49,175,091, GC replaced by TG. VCF-style: chr3-49175090-GC-TG. GRCh37 (hg19) VCF-style: chr3-49212523-GC-TG.
Other names: short protein forms R266G.
Identifiers: ClinVar variation 4695322 (VCV004695322.1).